The following is an entry in ClinVar:

NM_001083614.2(EARS2):c.1412A>C (p.Lys471Thr)

Gene: EARS2 (glutamyl-tRNA synthetase 2, mitochondrial; minus strand). Cytogenetic location: 16p12.2.
Variant type: single nucleotide variant.
Coding change: c.1412A>C on transcript NM_001083614.2 (MANE Select); coding-DNA position 1412, A replaced by C.
Protein change: p.Lys471Thr; replaces lysine 471 with threonine.
Molecular consequence: missense variant. On other transcripts: non-coding transcript variant (1).
Genome position (GRCh38, 1-based): chr16:23,525,320, T>G on the plus strand (A>C on the coding strand, the complement: EARS2 is on the minus strand). VCF-style: chr16-23525320-T-G. GRCh37 (hg19) VCF-style: chr16-23536641-T-G.
Other names: p.K471T:AAG>ACG; p.Lys471Thr; c.1412A>C, p.Lys471Thr (NM_001308211.1); short protein forms K471T.
Identifiers: ClinVar variation 137187 (VCV000137187.17), dbSNP rs137973249, ClinGen allele CA290700.

ClinVar aggregate classification (germline): Benign/Likely benign. Review status: criteria provided, multiple submitters, no conflicts (2 of 4 stars). 6 submissions from 6 submitters: Benign (4); Likely benign (2). Last evaluated 2025-12-27.

Conditions:
Leukoencephalopathy-thalamus and brainstem anomalies-high lactate syndrome. Also called: LEUKOENCEPHALOPATHY WITH THALAMUS AND BRAINSTEM INVOLVEMENT AND HIGH LACTATE; Combined oxidative phosphorylation deficiency 12. Identifiers: Orphanet 314051, MedGen C4706421, MONDO:0013971, OMIM 614924.

Allele frequency attached by ClinVar (database versions not stated): ESP Exome Variant Server 0.00896; gnomAD 0.00897 and 0.00954; TOPMed 0.00978; 1000 Genomes Project 0.01158; 1000 Genomes Project 30x 0.01171.
gnomAD v4.1: 2,995 of 1,614,120 alleles (0.19%); highest among the groups gnomAD compares: African/African-American, 3.2%; 49 homozygotes.

Submissions (6):

Labcorp Genetics (formerly Invitae), Labcorp
Classification: Benign. Last evaluated: 2025-12-27. Review status: criteria provided, single submitter. Criteria: Invitae Variant Classification Sherloc (09022015). Collection method: clinical testing. Allele origin: germline.

Mayo Clinic Laboratories, Mayo Clinic
Classification: Benign. Last evaluated: 2024-12-27. Review status: criteria provided, single submitter. Criteria: ACMG Guidelines, 2015. Collection method: clinical testing. Allele origin: germline. Observed: 17 variant alleles.
Comment: BA1, BS2, BP4_moderate

Center for Pediatric Genomic Medicine, Children's Mercy Hospital and Clinics
Classification: Likely benign. Last evaluated: 2017-06-12. Review status: criteria provided, single submitter. Criteria: ACMG Guidelines, 2015. Collection method: clinical testing. Allele origin: germline.

Illumina Laboratory Services, Illumina
Classification: Benign for Leukoencephalopathy-thalamus and brainstem anomalies-high lactate syndrome. Last evaluated: 2017-04-27. Review status: criteria provided, single submitter. Criteria: ICSL Variant Classification Criteria 13 December 2019. Collection method: clinical testing. Allele origin: germline.
Comment: This variant was observed as part of a predisposition screen in an ostensibly healthy population. A literature search was performed for the gene, cDNA change, and amino acid change (where applicable). No publications were found based on this search. Allele frequency data from public databases was too high to be consistent with this variant causing disease. Therefore, this variant is classified as benign.

GeneDx
Classification: Benign. Last evaluated: 2014-04-11. Review status: criteria provided, single submitter. Criteria: GeneDx Variant Classification (06012015). Collection method: clinical testing. Allele origin: germline. Affected: yes.
Comment: This variant is considered likely benign or benign based on one or more of the following criteria: it is a conservative change, it occurs at a poorly conserved position in the protein, it is predicted to be benign by multiple in silico algorithms, and/or has population frequency not consistent with disease.

Breakthrough Genomics
Classification: Likely benign. Review status: criteria provided, single submitter. Criteria: ACMG Guidelines, 2015. Collection method: not provided. Allele origin: germline. Inheritance: Autosomal recessive inheritance. Affected: yes.